The following is an entry in ClinVar:

ClinVar aggregate classification (germline): Uncertain significance (1 of 4 stars; one submission).

Conditions:
Baller-Gerold syndrome (BGS). Also called: CRANIOSYNOSTOSIS WITH RADIAL DEFECTS. Identifiers: Orphanet 1225, MedGen C0265308, MONDO:0009039, OMIM 218600.

Allele frequency attached by ClinVar (database versions not stated): gnomAD 0.00001; gnomAD exomes 0.00001; ExAC 0.00002.
gnomAD v4.1: 18 of 1,607,054 alleles (0.0011%); highest among the groups gnomAD compares: East Asian, 0.0022%; no homozygotes.

Submission:

Labcorp Genetics (formerly Invitae), Labcorp
Classification: Uncertain significance for Baller-Gerold syndrome. Last evaluated: 2025-01-29. Review status: criteria provided, single submitter. Criteria: Invitae Variant Classification Sherloc (09022015). Collection method: clinical testing. Allele origin: germline.
Comment: This sequence change affects codon 1079 of the RECQL4 mRNA. It is a 'silent' change, meaning that it does not change the encoded amino acid sequence of the RECQL4 protein. It affects a nucleotide within the consensus splice site. This variant is present in population databases (rs770553956, gnomAD 0.003%). This variant has not been reported in the literature in individuals affected with RECQL4-related conditions. ClinVar contains an entry for this variant (Variation ID: 959224). Experimental studies and prediction algorithms are not available or were not evaluated, and the functional significance of this variant is currently unknown. Algorithms developed to predict the effect of sequence changes on RNA splicing suggest that this variant is not likely to affect RNA splicing. In summary, the available evidence is currently insufficient to determine the role of this variant in disease. Therefore, it has been classified as a Variant of Uncertain Significance.

NM_004260.4(RECQL4):c.3237C>T (p.Ser1079=)

Gene: RECQL4 (RecQ like helicase 4; minus strand). Cytogenetic location: 8q24.3.
Variant type: single nucleotide variant.
Coding change: c.3237C>T on transcript NM_004260.4 (MANE Select); coding-DNA position 3237, C replaced by T.
Protein change: p.Ser1079=; no amino-acid change (serine 1079 retained).
Molecular consequence: synonymous variant.
Genome position (GRCh38, 1-based): chr8:144,512,067, G>A on the plus strand (C>T on the coding strand, the complement: RECQL4 is on the minus strand). VCF-style: chr8-144512067-G-A. GRCh37 (hg19) VCF-style: chr8-145737450-G-A.
Identifiers: ClinVar variation 959224 (VCV000959224.6), dbSNP rs770553956, ClinGen allele CA4947844.
Genomic context (GRCh38, chr8:144,512,067, plus strand): 5'-CCTGGTGCTGCGCTCCTCATCCTGCTGCTCCAGGCAGGGCCCGCAGCTGGGGAAGGCTAC[G>A]CTGTGGGGAGGAGCCTGTCAGAGCTGATCACTGCGGGAGGGTGGATGGTCCCAGGCCCCG-3'
Protein context (NP_004251.4, residues 1069-1089): RLRRTFQAFH[Ser1079=]VAFPSCGPCL